The following is an entry in ClinVar:

ClinVar aggregate classification (germline): Uncertain significance (1 of 4 stars; one submission).

Submission:

Ambry Genetics
Classification: Uncertain significance. Last evaluated: 2025-07-12. Review status: criteria provided, single submitter. Criteria: Ambry Variant Classification Scheme 2023. Collection method: clinical testing. Allele origin: germline.
Comment: The p.Q953K variant (also known as c.2857C>A), located in coding exon 11 of the WNK2 gene, results from a C to A substitution at nucleotide position 2857. The glutamine at codon 953 is replaced by lysine, an amino acid with similar properties. This amino acid position is conserved. In addition, this alteration is predicted to be tolerated by in silico analysis. Based on the available evidence, the clinical significance of this variant remains unclear.

NM_006648.4(WNK2):c.2857C>A (p.Gln953Lys)

Gene: WNK2 (WNK lysine deficient protein kinase 2; plus strand). Cytogenetic location: 9q22.31.
Variant type: single nucleotide variant.
Coding change: c.2857C>A on transcript NM_006648.4 (MANE Select); coding-DNA position 2857, C replaced by A.
Protein change: p.Gln953Lys; replaces glutamine 953 with lysine.
Molecular consequence: missense variant.
Genome position (GRCh38, 1-based): chr9:93,259,405, C>A. VCF-style: chr9-93259405-C-A. GRCh37 (hg19) VCF-style: chr9-96021687-C-A.
Other names: c.2857C>A, p.Gln953Lys (NM_001282394.3); short protein forms Q953K.
Identifiers: ClinVar variation 4201620 (VCV004201620.1).